The following is an entry in ClinVar:

ClinVar aggregate classification (germline): Uncertain significance. Review status: criteria provided, multiple submitters, no conflicts (2 of 4 stars). 2 submissions from 2 submitters: Uncertain significance (2). Last evaluated 2025-02-05.

Conditions:
Cardiovascular phenotype. Identifiers: MedGen CN230736.
Arrhythmogenic right ventricular dysplasia 11. Also called: Arrhythmogenic right ventricular dysplasia 11 with mild palmoplantar keratoderma and woolly hair; Arrhythmogenic Right Ventricular Dysplasia/Cardiomyopathy11; ARRHYTHMOGENIC RIGHT VENTRICULAR DYSPLASIA, FAMILIAL, 11. Identifiers: MedGen C1864850, MONDO:0012506, OMIM 610476.

Submissions (2):

Labcorp Genetics (formerly Invitae), Labcorp
Classification: Uncertain significance for Arrhythmogenic right ventricular dysplasia 11. Last evaluated: 2025-02-05. Review status: criteria provided, single submitter. Criteria: Invitae Variant Classification Sherloc (09022015). Collection method: clinical testing. Allele origin: germline.
Comment: This sequence change replaces histidine, which is basic and polar, with aspartic acid, which is acidic and polar, at codon 65 of the DSC2 protein (p.His65Asp). This variant is not present in population databases (gnomAD no frequency). This variant has not been reported in the literature in individuals affected with DSC2-related conditions. ClinVar contains an entry for this variant (Variation ID: 1350399). Invitae Evidence Modeling of protein sequence and biophysical properties (such as structural, functional, and spatial information, amino acid conservation, physicochemical variation, residue mobility, and thermodynamic stability) indicates that this missense variant is not expected to disrupt DSC2 protein function with a negative predictive value of 80%. In summary, the available evidence is currently insufficient to determine the role of this variant in disease. Therefore, it has been classified as a Variant of Uncertain Significance.

Ambry Genetics
Classification: Uncertain significance for Cardiovascular phenotype. Last evaluated: 2022-07-26. Review status: criteria provided, single submitter. Criteria: Ambry Variant Classification Scheme 2023. Collection method: clinical testing. Allele origin: germline.

NM_024422.6(DSC2):c.193C>G (p.His65Asp)

Gene: DSC2 (desmocollin 2; minus strand). Cytogenetic location: 18q12.1.
Variant type: single nucleotide variant.
Coding change: c.193C>G on transcript NM_024422.6 (MANE Select); coding-DNA position 193, C replaced by G.
Protein change: p.His65Asp; replaces histidine 65 with aspartic acid.
Molecular consequence: missense variant.
Genome position (GRCh38, 1-based): chr18:31,092,262, G>C on the plus strand (C>G on the coding strand, the complement: DSC2 is on the minus strand). VCF-style: chr18-31092262-G-C. GRCh37 (hg19) VCF-style: chr18-28672225-G-C.
Other names: c.193C>G (NM_024422.3); c.193C>G, p.His65Asp (NM_004949.5); short protein forms H65D.
Identifiers: ClinVar variation 1350399 (VCV001350399.7), dbSNP rs2144846957, ClinGen allele CA402114916.
Genomic context (GRCh38, chr18:31,092,262, plus strand): 5'-TAGTATTTGTTGTATAGACTGAACCATCCTCCAAAATTTGGAAGTCAGGATCACTTGAAT[G>C]AATTAGATTTGCAGCTGTAAAGCACTCTTTCAGGTTAACTGTAGAAAATATGCACAGCAA-3'
Protein context (NP_077740.1, residues 55-75): KECFTAANLI[His65Asp]SSDPDFQILE